The following is an entry in ClinVar:

NM_000080.4(CHRNE):c.114_129del (p.Arg40fs)

Genes: C17orf107 (chromosome 17 open reading frame 107; plus strand), CHRNE (cholinergic receptor nicotinic epsilon subunit; minus strand). Cytogenetic location: 17p13.2.
Variant type: Deletion.
Coding change: c.114_129del on transcript NM_000080.4 (MANE Select); coding-DNA positions 114 to 129, 16 bases deleted (AAGCCGGCCAGTGCGG).
Protein change: p.Arg40fs; shifts the reading frame from arginine 40.
Molecular consequence: frameshift variant. On other transcripts: 3 prime UTR variant (1).
Genome position (GRCh38, 1-based): chr17:4,902,681-4,902,696, CCGCACTGGCCGGCTT deleted on the plus strand (AAGCCGGCCAGTGCGG on the coding strand, the reverse complement: CHRNE is on the minus strand); deleting any 16 consecutive bases within chr17:4,902,681-4,902,698 gives the same sequence; the c. name uses the placement nearest the transcript's 3' end. VCF-style (leftmost placement, unchanged base first): chr17-4902680-CCCGCACTGGCCGGCTT-C. GRCh37 (hg19) VCF-style: chr17-4805975-CCCGCACTGGCCGGCTT-C.
Other names: c.*2150_*2165del (NM_001145536.2); short protein forms R40fs.
Identifiers: ClinVar variation 5014715 (VCV005014715.1).
Genomic context (GRCh38, chr17:4,902,680, plus strand): 5'-CCAGTGAGATGAGATTCGTCAGGGTGACCTTGAGGCTGATGGTGACAGTATCCTCAGGCT[CCCGCACTGGCCGGCTT>C]CCTGGGTCATAGTTGTTGAAGAGATGGTGATAAAGACGCAGTTCCTCGTTCTTCCCCACA-3'

ClinVar aggregate classification (germline): Pathogenic (1 of 4 stars; one submission).

Conditions:
Congenital myasthenic syndrome (CMS). Also called: Congenital Myasthenic Syndromes. Identifiers: Orphanet 590, MedGen C0751882, MeSH D020294, MONDO:0018940.

Submission:

Myriad Genetics, Inc.
Classification: Pathogenic for Congenital myasthenic syndrome. Last evaluated: 2025-07-14. Review status: criteria provided, single submitter. Criteria: Myriad Autosomal Dominant, Autosomal Recessive and X-Linked Classification Criteria (2023). Collection method: clinical testing. Allele origin: unknown.
Comment: NM_000080.3(CHRNE):c.114_129del16(R40Lfs*13) is expected to be pathogenic in the context of congenital myasthenic syndrome, CHRNE-related. This variant is predicted to lead to an abnormal or absent protein product due to the creation of a premature termination codon in CHRNE, a gene where loss-of-function variants are known to be pathogenic. Please note: this variant was assessed in the context of healthy population screening.